The following is an entry in ClinVar:

ClinVar aggregate classification (germline): Uncertain significance (1 of 4 stars; one submission).

Conditions:
Epileptic encephalopathy. Identifiers: MedGen C0543888, HP:0200134.

Allele frequency attached by ClinVar (database versions not stated): TOPMed 0.00002; gnomAD 0.00003; gnomAD exomes 0.00008 and 0.00009; ExAC 0.00010.
gnomAD v4.1: 127 of 1,613,812 alleles (0.0079%); highest among the groups gnomAD compares: Non-Finnish European, 0.0097%; no homozygotes.

Submission:

Labcorp Genetics (formerly Invitae), Labcorp
Classification: Uncertain significance for Epileptic encephalopathy. Last evaluated: 2022-10-25. Review status: criteria provided, single submitter. Criteria: Invitae Variant Classification Sherloc (09022015). Collection method: clinical testing. Allele origin: germline.
Comment: This sequence change replaces alanine, which is neutral and non-polar, with threonine, which is neutral and polar, at codon 3839 of the RYR3 protein (p.Ala3839Thr). This variant is present in population databases (rs200724737, gnomAD 0.02%). This variant has not been reported in the literature in individuals affected with RYR3-related conditions. ClinVar contains an entry for this variant (Variation ID: 1047357). Advanced modeling of protein sequence and biophysical properties (such as structural, functional, and spatial information, amino acid conservation, physicochemical variation, residue mobility, and thermodynamic stability) performed at Invitae indicates that this missense variant is not expected to disrupt RYR3 protein function. In summary, the available evidence is currently insufficient to determine the role of this variant in disease. Therefore, it has been classified as a Variant of Uncertain Significance.

NM_001036.6(RYR3):c.11515G>A (p.Ala3839Thr)

Gene: RYR3 (ryanodine receptor 3; plus strand). Cytogenetic location: 15q14.
Variant type: single nucleotide variant.
Coding change: c.11515G>A on transcript NM_001036.6 (MANE Select); coding-DNA position 11515, G replaced by A.
Protein change: p.Ala3839Thr; replaces alanine 3839 with threonine.
Molecular consequence: missense variant.
Genome position (GRCh38, 1-based): chr15:33,835,019, G>A. VCF-style: chr15-33835019-G-A. GRCh37 (hg19) VCF-style: chr15-34127220-G-A.
Other names: c.11500G>A, p.Ala3834Thr (NM_001243996.4); short protein forms A3834T, A3839T.
Identifiers: ClinVar variation 1047357 (VCV001047357.8), dbSNP rs200724737, ClinGen allele CA7461244.